The following is an entry in ClinVar:

NM_001267550.2(TTN):c.90910A>T (p.Arg30304Ter)

Genes: TTN (titin; minus strand), TTN-AS1 (TTN antisense RNA 1; plus strand). Cytogenetic location: 2q31.2.
Variant type: single nucleotide variant.
Coding change: c.90910A>T on transcript NM_001267550.2 (MANE Select); coding-DNA position 90910, A replaced by T.
Protein change: p.Arg30304Ter; replaces arginine 30304 with a stop codon.
Molecular consequence: nonsense.
Genome position (GRCh38, 1-based): chr2:178,551,990, T>A on the plus strand (A>T on the coding strand, the complement: TTN is on the minus strand). VCF-style: chr2-178551990-T-A. GRCh37 (hg19) VCF-style: chr2-179416717-T-A.
Other names: c.85987A>T, p.Arg28663Ter (NM_001256850.1); c.63715A>T, p.Arg21239Ter (NM_003319.4); c.83206A>T, p.Arg27736Ter (NM_133378.4); c.64090A>T, p.Arg21364Ter (NM_133432.3); c.64291A>T, p.Arg21431Ter (NM_133437.4); short protein forms R21239*, R21364*, R21431*, R27736*, R28663*, R30304*.
Identifiers: ClinVar variation 1067182 (VCV001067182.11), dbSNP rs773538148, ClinGen allele CA1987724.

ClinVar aggregate classification (germline): Likely pathogenic (1 of 4 stars; one submission).

Conditions:
Dilated cardiomyopathy 1G (CMD1G). Identifiers: Orphanet 154, MedGen C1858763, MONDO:0011400, OMIM 604145.
Autosomal recessive limb-girdle muscular dystrophy type 2J (LGMDR10). Also called: Limb-girdle muscular dystrophy, type 2J; MUSCULAR DYSTROPHY, LIMB-GIRDLE, AUTOSOMAL RECESSIVE 10. Identifiers: Orphanet 140922, MedGen C1837342, MONDO:0012127, OMIM 608807.

Allele frequency attached by ClinVar (database versions not stated): gnomAD exomes below 0.00001; ExAC 0.00001.

Submission:

Labcorp Genetics (formerly Invitae), Labcorp
Classification: Likely pathogenic for Dilated cardiomyopathy 1G; Autosomal recessive limb-girdle muscular dystrophy type 2J. Last evaluated: 2023-06-02. Review status: criteria provided, single submitter. Criteria: Invitae Variant Classification Sherloc (09022015). Collection method: clinical testing. Allele origin: germline.
Comment: In summary, the currently available evidence indicates that the variant is pathogenic, but additional data are needed to prove that conclusively. Therefore, this variant has been classified as Likely Pathogenic. This variant is located in the A band of TTN (PMID: 25589632). Truncating variants in this region are significantly overrepresented in patients affected with dilated cardiomyopathy (PMID: 25589632). Truncating variants in this region have also been reported in individuals affected with autosomal recessive centronuclear myopathy (PMID: 23975875). ClinVar contains an entry for this variant (Variation ID: 1067182). This variant has not been reported in the literature in individuals affected with TTN-related conditions. This variant is present in population databases (rs773538148, gnomAD 0.006%). This sequence change creates a premature translational stop signal (p.Arg30304*) in the TTN gene. While this is not anticipated to result in nonsense mediated decay, it is expected to create a truncated TTN protein.

Literature cited by the submitters: PubMed 25589632; PubMed 23975875.